The following is an entry in ClinVar:

NM_007294.4(BRCA1):c.4185+39G>A

Gene: BRCA1 (BRCA1 DNA repair associated; minus strand). Cytogenetic location: 17q21.31.
Variant type: single nucleotide variant.
Coding change: c.4185+39G>A on transcript NM_007294.4 (MANE Select); 39 bases into the intron after coding-DNA position 4185, G replaced by A.
Molecular consequence: intron variant.
Genome position (GRCh38, 1-based): chr17:43,090,905, C>T on the plus strand (G>A on the coding strand, the complement: BRCA1 is on the minus strand). VCF-style: chr17-43090905-C-T. GRCh37 (hg19) VCF-style: chr17-41242922-C-T.
Other names: c.663+39G>A (NM_001408493.1, NM_001408490.1, NM_001408491.1); c.3972+39G>A (NM_001407915.1, NM_001407916.1, NM_001407895.1 and 9 more transcripts); c.543+39G>A (NM_001408502.1); c.3852+39G>A (NM_001407951.1, NM_001407946.1, NM_001407952.1 and 6 more transcripts); c.666+39G>A (NM_001408489.1, NM_001408479.1, NM_001408482.1 and 9 more transcripts); c.3975+39G>A (NM_001407910.1, NM_001407904.1, NM_001407884.1 and 13 more transcripts); c.4176+39G>A (NM_001407646.1, NM_001407647.1); c.750+39G>A (NM_001408445.1, NM_001408432.1, NM_001408450.1 and 6 more transcripts); and 41 more.
Identifiers: ClinVar variation 4539186 (VCV004539186.1).

ClinVar aggregate classification (germline): Likely benign (1 of 4 stars; one submission).

Submission:

Center for Genomic Medicine, Rigshospitalet, Copenhagen University Hospital
Classification: Likely benign. Last evaluated: 2025-12-29. Review status: criteria provided, single submitter. Criteria: ACMG Guidelines, 2015. Collection method: clinical testing. Allele origin: germline.
Comment: Classification criteria: BP4, BP7